The following is an entry in ClinVar:

ClinVar aggregate classification (germline): Uncertain significance (1 of 4 stars; one submission).

gnomAD v4.1: 43 of 1,613,666 alleles (0.0027%); highest among the groups gnomAD compares: Admixed American, 0.01%; no homozygotes.

Submission:

Labcorp Genetics (formerly Invitae), Labcorp
Classification: Uncertain significance. Last evaluated: 2025-11-05. Review status: criteria provided, single submitter. Criteria: Invitae Variant Classification Sherloc (09022015). Collection method: clinical testing. Allele origin: germline.
Comment: This sequence change replaces arginine, which is basic and polar, with glutamine, which is neutral and polar, at codon 351 of the DFNA5 protein (p.Arg351Gln). This variant is present in population databases (rs375948210, gnomAD 0.01%). This variant has not been reported in the literature in individuals affected with DFNA5-related conditions. Invitae Evidence Modeling of protein sequence and biophysical properties (such as structural, functional, and spatial information, amino acid conservation, physicochemical variation, residue mobility, and thermodynamic stability) indicates that this missense variant is not expected to disrupt DFNA5 protein function with a negative predictive value of 80%. In summary, the available evidence is currently insufficient to determine the role of this variant in disease. Therefore, it has been classified as a Variant of Uncertain Significance.

NM_001127453.2(GSDME):c.1052G>A (p.Arg351Gln)

Gene: GSDME (gasdermin E; minus strand). Cytogenetic location: 7p15.3.
Variant type: single nucleotide variant.
Coding change: c.1052G>A on transcript NM_001127453.2 (MANE Select); coding-DNA position 1052, G replaced by A.
Protein change: p.Arg351Gln; replaces arginine 351 with glutamine.
Molecular consequence: missense variant.
Genome position (GRCh38, 1-based): chr7:24,706,315, C>T on the plus strand (G>A on the coding strand, the complement: GSDME is on the minus strand). VCF-style: chr7-24706315-C-T. GRCh37 (hg19) VCF-style: chr7-24745934-C-T.
Other names: c.560G>A, p.Arg187Gln (NM_001127454.2, NM_001438059.1); c.1052G>A, p.Arg351Gln (NM_004403.3); short protein forms R187Q, R351Q.
Identifiers: ClinVar variation 4804786 (VCV004804786.1).
Genomic context (GRCh38, chr7:24,706,315, plus strand): 5'-CACCCACCCTGTAAGCTGCACCCCACCAGCTGCAGGAAGGCCACAAGGTCCTGCTGCTGC[C>T]GGGGCTTCAGCTCCCCCAGCACCGCCACTGTGGGCGAGAGGCCGCTGACCAGGTCATCGC-3'
Protein context (NP_001120925.1, residues 341-361): TVAVLGELKP[Arg351Gln]QQQDLVAFLQ